The following is an entry in ClinVar:

NM_001365276.2(TNXB):c.10928-11_10928-10dup

Genes: TNXB (tenascin XB; minus strand), LOC106780803 (tenascin XB recombination region; plus strand). Cytogenetic location: 6p21.33.
Variant type: Duplication.
Coding change: c.10928-11_10928-10dup on transcript NM_001365276.2 (MANE Select); 11 bases into the intron before coding-DNA position 10928 through 10 bases into the intron before coding-DNA position 10928, 2 bases duplicated (AC; older notation c.10928-11_10928-10dupAC).
Molecular consequence: intron variant.
Genome position (GRCh38, 1-based): chr6:32,044,726-32,044,727, GT duplicated on the plus strand (AC on the coding strand, the reverse complement: TNXB is on the minus strand); duplicating any 2 consecutive bases within chr6:32,044,726-32,044,728 gives the same sequence; the c. name uses the placement nearest the transcript's 3' end. VCF-style (leftmost placement, unchanged base first): chr6-32044725-A-AGT. GRCh37 (hg19) VCF-style: chr6-32012502-A-AGT.
Other names: p.?; c.10922-11_10922-10dup (NM_019105.8); c.11669-11_11669-10dup (NM_001428335.1); c.215-11_215-10dup (NM_032470.4).
Identifiers: ClinVar variation 4684946 (VCV004684946.1).

ClinVar aggregate classification (germline): Likely benign (1 of 4 stars; one submission).

Submission:

Mayo Clinic Laboratories, Mayo Clinic
Classification: Likely benign. Last evaluated: 2025-12-05. Review status: criteria provided, single submitter. Criteria: ACMG Guidelines, 2015. Collection method: clinical testing. Allele origin: germline. Observed: 2 variant alleles.
Comment: BP4, BP7